The following is an entry in ClinVar:

NM_024675.4(PALB2):c.97G>A (p.Ala33Thr)

Gene: PALB2 (partner and localizer of BRCA2; minus strand). Cytogenetic location: 16p12.2.
Variant type: single nucleotide variant.
Coding change: c.97G>A on transcript NM_024675.4 (MANE Select); coding-DNA position 97, G replaced by A.
Protein change: p.Ala33Thr; replaces alanine 33 with threonine.
Molecular consequence: missense variant.
Genome position (GRCh38, 1-based): chr16:23,638,081, C>T on the plus strand (G>A on the coding strand, the complement: PALB2 is on the minus strand). VCF-style: chr16-23638081-C-T. GRCh37 (hg19) VCF-style: chr16-23649402-C-T.
Other names: short protein forms A33T.
Identifiers: ClinVar variation 490089 (VCV000490089.11), dbSNP rs747302288, ClinGen allele CA7963862.

ClinVar aggregate classification (germline): Uncertain significance. Review status: criteria provided, multiple submitters, no conflicts (2 of 4 stars). 3 submissions from 3 submitters: Uncertain significance (3). Last evaluated 2025-02-03.

Conditions:
Familial cancer of breast. Also called: Hereditary breast cancer; BREAST CANCER, FAMILIAL; hereditary breast carcinoma. Identifiers: Orphanet 227535, MedGen C0346153, MONDO:0016419, OMIM 114480. Disease mechanism: loss of function.
Hereditary cancer-predisposing syndrome. Also called: Hereditary Cancer Syndrome; Neoplastic Syndromes, Hereditary; Tumor predisposition; Hereditary neoplastic syndrome. Identifiers: Orphanet 140162, MedGen C0027672, MeSH D009386, MONDO:0015356.

Allele frequency attached by ClinVar (database versions not stated): ExAC 0.00001; gnomAD exomes 0.00001.

Submissions (3):

Color Diagnostics, LLC DBA Color Health
Classification: Uncertain significance for Hereditary cancer-predisposing syndrome. Last evaluated: 2025-02-03. Review status: criteria provided, single submitter. Criteria: ACMG Guidelines, 2015. Collection method: clinical testing. Allele origin: germline.
Comment: This missense variant replaces alanine with threonine at codon 33 of the PALB2 protein. Computational prediction suggests that this variant may not impact protein structure and function. To our knowledge, functional studies have not been reported for this variant. This variant has not been reported in a family affected with lymphoma (PMID: 38446987). This variant has been identified in 2/251482 chromosomes in the general population by the Genome Aggregation Database (gnomAD). The available evidence is insufficient to determine the role of this variant in disease conclusively. Therefore, this variant is classified as a Variant of Uncertain Significance.

Ambry Genetics
Classification: Uncertain significance for Hereditary cancer-predisposing syndrome. Last evaluated: 2024-03-05. Review status: criteria provided, single submitter. Criteria: Ambry Variant Classification Scheme 2023. Collection method: clinical testing. Allele origin: germline.
Comment: The p.A33T variant (also known as c.97G>A), located in coding exon 2 of the PALB2 gene, results from a G to A substitution at nucleotide position 97. The alanine at codon 33 is replaced by threonine, an amino acid with similar properties. This amino acid position is well conserved in available vertebrate species. In addition, this alteration is predicted to be tolerated by in silico analysis. Based on the available evidence, the clinical significance of this alteration remains unclear.

Labcorp Genetics (formerly Invitae), Labcorp
Classification: Uncertain significance for Familial cancer of breast. Last evaluated: 2022-09-09. Review status: criteria provided, single submitter. Criteria: Invitae Variant Classification Sherloc (09022015). Collection method: clinical testing. Allele origin: germline.
Comment: This sequence change replaces alanine, which is neutral and non-polar, with threonine, which is neutral and polar, at codon 33 of the PALB2 protein (p.Ala33Thr). This variant is present in population databases (rs747302288, gnomAD 0.01%). This variant has not been reported in the literature in individuals affected with PALB2-related conditions. ClinVar contains an entry for this variant (Variation ID: 490089). Algorithms developed to predict the effect of missense changes on protein structure and function are either unavailable or do not agree on the potential impact of this missense change (SIFT: "Tolerated"; PolyPhen-2: "Probably Damaging"; Align-GVGD: "Class C0"). In summary, the available evidence is currently insufficient to determine the role of this variant in disease. Therefore, it has been classified as a Variant of Uncertain Significance.

Literature cited by the submitters: PubMed 38446987 (cited by Color Diagnostics, LLC DBA Color Health).